The following is an entry in ClinVar:

ClinVar aggregate classification (germline): Conflicting classifications of pathogenicity. Review status: criteria provided, conflicting classifications (1 of 4 stars). 4 submissions from 4 submitters: Likely pathogenic (2); Uncertain significance (1). 1 of the submissions does not count toward it. Last evaluated 2025-08-15.

Conditions:
SLC34A3-related disorder. Also called: SLC34A3-related condition.
Autosomal recessive hypophosphatemic bone disease (HHRH). Also called: Hypophosphatemic rickets with hypercalciuria; HYPERCALCIURIC RICKETS. Identifiers: Orphanet 157215, MedGen C1853271, MONDO:0009431, OMIM 241530.

Allele frequency attached by ClinVar (database versions not stated): TOPMed 0.00001; gnomAD 0.00002.
gnomAD v4.1: 31 of 1,610,298 alleles (0.0019%); highest among the groups gnomAD compares: Admixed American, 0.017%; no homozygotes.

Submissions (4):

Women's Health and Genetics/Laboratory Corporation of America, LabCorp
Classification: Likely pathogenic for Hereditary Hypophosphatemic Rickets With Hypercalciuria. Last evaluated: 2025-08-15. Review status: criteria provided, single submitter. Criteria: LabCorp Variant Classification Summary - May 2015. Collection method: clinical testing. Allele origin: germline.
Comment: Variant summary: SLC34A3 c.410C>T (p.Thr137Met) results in a non-conservative amino acid change in the encoded protein sequence. Algorithms developed to predict the effect of missense changes on protein structure and function all suggest that this variant is likely to be disruptive. The variant allele was found at a frequency of 4.5e-05 in 243190 control chromosomes. This frequency is not significantly higher than estimated for a pathogenic variant in SLC34A3 causing Hereditary Hypophosphatemic Rickets With Hypercalciuria (4.5e-05 vs 0.0018), allowing no conclusion about variant significance. c.410C>T has been reported in the literature in a compound heterozygous individual affected with Hereditary Hypophosphatemic Rickets With Hypercalciuria (Jaureguiberry_2008), in addition, renal stones were also observed in this patient, and in a first-degree relative who carried the variant in heterozygous state (Jaureguiberry_2008). Authors of this study also reported experimental evidence evaluating an impact on protein function, and found that the variant decreased cell surface protein expression, and also resulted in functional impairment (Jaureguiberry_2008). The following publication has been ascertained in the context of this evaluation (PMID: 18480181). ClinVar contains an entry for this variant (Variation ID: 2735379). Based on the evidence outlined above, the variant was classified as likely pathogenic.

Labcorp Genetics (formerly Invitae), Labcorp
Classification: Likely pathogenic. Last evaluated: 2025-01-17. Review status: criteria provided, single submitter. Criteria: Invitae Variant Classification Sherloc (09022015). Collection method: clinical testing. Allele origin: germline.
Comment: This sequence change replaces threonine, which is neutral and polar, with methionine, which is neutral and non-polar, at codon 137 of the SLC34A3 protein (p.Thr137Met). This variant is present in population databases (no rsID available, gnomAD 0.02%). This missense change has been observed in individual(s) with hypophosphatemic rickets (PMID: 18480181, 37144129). In at least one individual the data is consistent with being in trans (on the opposite chromosome) from a pathogenic variant. ClinVar contains an entry for this variant (Variation ID: 2735379). Invitae Evidence Modeling of protein sequence and biophysical properties (such as structural, functional, and spatial information, amino acid conservation, physicochemical variation, residue mobility, and thermodynamic stability) has been performed for this missense variant. However, the output from this modeling did not meet the statistical confidence thresholds required to predict the impact of this variant on SLC34A3 protein function. Experimental studies have shown that this missense change affects SLC34A3 function (PMID: 18480181). In summary, the currently available evidence indicates that the variant is pathogenic, but additional data are needed to prove that conclusively. Therefore, this variant has been classified as Likely Pathogenic.

Fulgent Genetics
Classification: Uncertain significance for Autosomal recessive hypophosphatemic bone disease. Last evaluated: 2024-05-06. Review status: criteria provided, single submitter. Criteria: ACMG Guidelines, 2015. Collection method: clinical testing. Allele origin: germline.

PreventionGenetics, part of Exact Sciences
Classification: Uncertain significance for SLC34A3-related condition. Last evaluated: 2024-05-22. Review status: no assertion criteria provided. Collection method: clinical testing. Allele origin: germline. Not counted in ClinVar's aggregate classification.
Comment: The SLC34A3 c.410C>T variant is predicted to result in the amino acid substitution p.Thr137Met. This variant was reported in the compound heterozygous state in an individual with hereditary hypophosphatemic rickets with hypercalciuria (Jaureguiberry et al. 2008. PubMed ID: 18480181). This variant is reported in 0.021% of alleles in individuals of Latino descent in gnomAD. Although we suspect that this variant may be pathogenic, at this time, the clinical significance of this variant is uncertain due to the absence of conclusive functional and genetic evidence.

Literature cited by the submitters: PubMed 18480181 (cited by Women's Health and Genetics/Laboratory Corporation of America, LabCorp and Labcorp Genetics (formerly Invitae), Labcorp); PubMed 37144129 (cited by Labcorp Genetics (formerly Invitae), Labcorp).

NM_001177316.2(SLC34A3):c.410C>T (p.Thr137Met)

Gene: SLC34A3 (solute carrier family 34 member 3; plus strand). Cytogenetic location: 9q34.3.
Variant type: single nucleotide variant.
Coding change: c.410C>T on transcript NM_001177316.2 (MANE Select); coding-DNA position 410, C replaced by T.
Protein change: p.Thr137Met; replaces threonine 137 with methionine.
Molecular consequence: missense variant.
Genome position (GRCh38, 1-based): chr9:137,232,889, C>T. VCF-style: chr9-137232889-C-T. GRCh37 (hg19) VCF-style: chr9-140127341-C-T.
Other names: c.410C>T, p.Thr137Met (NM_001177317.2, NM_080877.3); c.410C>T (NM_080877.2); short protein forms T137M.
Identifiers: ClinVar variation 2735379 (VCV002735379.8), dbSNP rs1373464667, ClinGen allele CA375729382.